The following is an entry in ClinVar:

ClinVar aggregate classification (germline): Pathogenic (1 of 4 stars; one submission).

Submission:

Labcorp Genetics (formerly Invitae), Labcorp
Classification: Pathogenic. Last evaluated: 2023-02-27. Review status: criteria provided, single submitter. Criteria: Invitae Variant Classification Sherloc (09022015). Collection method: clinical testing. Allele origin: germline.
Comment: This variant has not been reported in the literature in individuals affected with POLE-related conditions. For these reasons, this variant has been classified as Pathogenic. This variant is not present in population databases (gnomAD no frequency). This sequence change creates a premature translational stop signal (p.Asn1981Thrfs*18) in the POLE gene. It is expected to result in an absent or disrupted protein product. Loss-of-function variants in POLE are known to be pathogenic (PMID: 23230001, 25948378, 30503519).

Literature cited by the submitters: PubMed 23230001; PubMed 25948378; PubMed 30503519.

NM_006231.4(POLE):c.5942del (p.Asn1981fs)

Gene: POLE (DNA polymerase epsilon, catalytic subunit; minus strand). Cytogenetic location: 12q24.33.
Variant type: Deletion.
Coding change: c.5942del on transcript NM_006231.4 (MANE Select); coding-DNA position 5942, one base deleted (A; older notation c.5942delA).
Protein change: p.Asn1981fs; shifts the reading frame from asparagine 1981.
Molecular consequence: frameshift variant.
Genome position (GRCh38, 1-based): chr12:132,634,248, T deleted on the plus strand (A on the coding strand, the reverse complement: POLE is on the minus strand); the first of 2 consecutive T bases (chr12:132,634,248-132,634,249); deleting either gives the same sequence. VCF-style (leftmost placement, unchanged base first): chr12-132634247-GT-G. GRCh37 (hg19) VCF-style: chr12-133210833-GT-G.
Other names: short protein forms N1981fs.
Identifiers: ClinVar variation 2841199 (VCV002841199.3), dbSNP rs2541859762, ClinGen allele CA2739277355.